The following is an entry in ClinVar:

ClinVar aggregate classification (germline): Uncertain significance (1 of 4 stars; one submission).

Submission:

Labcorp Genetics (formerly Invitae), Labcorp
Classification: Uncertain significance. Last evaluated: 2025-02-13. Review status: criteria provided, single submitter. Criteria: Invitae Variant Classification Sherloc (09022015). Collection method: clinical testing. Allele origin: germline.
Comment: This sequence change falls in intron 4 of the SLC25A21 gene. It does not directly change the encoded amino acid sequence of the SLC25A21 protein. It affects a nucleotide within the consensus splice site. This variant is not present in population databases (gnomAD no frequency). This variant has not been reported in the literature in individuals affected with SLC25A21-related conditions. Variants that disrupt the consensus splice site are a relatively common cause of aberrant splicing (PMID: 17576681, 9536098). Algorithms developed to predict the effect of sequence changes on RNA splicing suggest that this variant is not likely to affect RNA splicing. In summary, the available evidence is currently insufficient to determine the role of this variant in disease. Therefore, it has been classified as a Variant of Uncertain Significance.

Literature cited by the submitters: PubMed 17576681; PubMed 9536098.

NM_030631.4(SLC25A21):c.270+6C>T

Gene: SLC25A21 (solute carrier family 25 member 21; minus strand). Cytogenetic location: 14q13.3.
Variant type: single nucleotide variant.
Coding change: c.270+6C>T on transcript NM_030631.4 (MANE Select); 6 bases into the intron after coding-DNA position 270, C replaced by T.
Molecular consequence: intron variant.
Genome position (GRCh38, 1-based): chr14:36,734,501, G>A on the plus strand (C>T on the coding strand, the complement: SLC25A21 is on the minus strand). VCF-style: chr14-36734501-G-A. GRCh37 (hg19) VCF-style: chr14-37203706-G-A.
Other names: c.270+6C>T (NM_001171170.2).
Identifiers: ClinVar variation 4778904 (VCV004778904.1).